The following is an entry in ClinVar:

NM_000238.4(KCNH2):c.2398+4T>C

Gene: KCNH2 (potassium voltage-gated channel subfamily H member 2; minus strand). Cytogenetic location: 7q36.1.
Variant type: single nucleotide variant.
Coding change: c.2398+4T>C on transcript NM_000238.4 (MANE Select); 4 bases into the intron after coding-DNA position 2398, T replaced by C.
Molecular consequence: intron variant. On other transcripts: missense variant (5).
Genome position (GRCh38, 1-based): chr7:150,950,164, A>G on the plus strand (T>C on the coding strand, the complement: KCNH2 is on the minus strand). VCF-style: chr7-150950164-A-G. GRCh37 (hg19) VCF-style: chr7-150647252-A-G.
Other names: c.1382T>C, p.Met461Thr (NM_001204798.2); c.2225T>C, p.Met742Thr (NM_001406755.1); c.2114T>C, p.Met705Thr (NM_001406756.1); c.2102T>C, p.Met701Thr (NM_001406757.1); c.2402T>C, p.Met801Thr (NM_172056.3); c.1378+4T>C (NM_172057.3); short protein forms M801T, M461T, M705T, M742T, M701T.
Identifiers: ClinVar variation 379294 (VCV000379294.11), dbSNP rs1057520559, ClinGen allele CA16605727.

ClinVar aggregate classification (germline): Conflicting classifications of pathogenicity. Review status: criteria provided, conflicting classifications (1 of 4 stars). 3 submissions from 3 submitters: Uncertain significance (1); Likely benign (2). Last evaluated 2026-02-02.

Conditions:
Cardiac arrhythmia. Also called: Cardiac rhythm disease; Arrhythmia. Identifiers: MedGen C0003811, MONDO:0007263, HP:0011675.
Long QT syndrome (LQTS). Identifiers: MedGen C0023976, MeSH D008133, MONDO:0002442. Disease mechanism: loss of function. Inheritance: Various modes of inheritance.

Allele frequency attached by ClinVar (database versions not stated): gnomAD exomes below 0.00001.
gnomAD v4.1: 2 of 737,420 alleles (0.00027%); highest among the groups gnomAD compares: Non-Finnish European, 0.00046%; no homozygotes.

Submissions (3):

Labcorp Genetics (formerly Invitae), Labcorp
Classification: Uncertain significance for Long QT syndrome. Last evaluated: 2026-02-02. Review status: criteria provided, single submitter. Criteria: Invitae Variant Classification Sherloc (09022015). Collection method: clinical testing. Allele origin: germline.
Comment: This sequence change falls in intron 9 of the KCNH2 gene. It does not directly change the encoded amino acid sequence of the KCNH2 protein. It affects a nucleotide within the consensus splice site. This variant is not present in population databases (gnomAD no frequency). This variant has not been reported in the literature in individuals affected with KCNH2-related conditions. ClinVar contains an entry for this variant (Variation ID: 379294). Variants that disrupt the consensus splice site are a relatively common cause of aberrant splicing (PMID: 17576681, 9536098). Algorithms developed to predict the effect of sequence changes on RNA splicing suggest that this variant is not likely to affect RNA splicing. In summary, the available evidence is currently insufficient to determine the role of this variant in disease. Therefore, it has been classified as a Variant of Uncertain Significance.

Color Diagnostics, LLC DBA Color Health
Classification: Likely benign for Arrhythmia. Last evaluated: 2019-03-11. Review status: criteria provided, single submitter. Criteria: ACMG Guidelines, 2015. Collection method: clinical testing. Allele origin: germline.

GeneDx
Classification: Likely benign. Last evaluated: 2016-03-29. Review status: criteria provided, single submitter. Criteria: GeneDx Variant Classification (06012015). Collection method: clinical testing. Allele origin: germline. Affected: yes.
Comment: This variant is considered likely benign or benign based on one or more of the following criteria: it is a conservative change, it occurs at a poorly conserved position in the protein, it is predicted to be benign by multiple in silico algorithms, and/or has population frequency not consistent with disease.

Literature cited by the submitters: PubMed 17576681 (cited by Labcorp Genetics (formerly Invitae), Labcorp); PubMed 9536098 (cited by Labcorp Genetics (formerly Invitae), Labcorp).